The following is an entry in ClinVar:

NM_004586.3(RPS6KA3):c.1710G>A (p.Ala570=)

Gene: RPS6KA3 (ribosomal protein S6 kinase A3; minus strand). Cytogenetic location: Xp22.12.
Variant type: single nucleotide variant.
Coding change: c.1710G>A on transcript NM_004586.3 (MANE Select); coding-DNA position 1710, G replaced by A.
Protein change: p.Ala570=; no amino-acid change (alanine 570 retained).
Molecular consequence: synonymous variant.
Genome position (GRCh38, 1-based): chrX:20,164,953, C>T on the plus strand (G>A on the coding strand, the complement: RPS6KA3 is on the minus strand). VCF-style: chrX-20164953-C-T. GRCh37 (hg19) VCF-style: chrX-20183071-C-T.
Other names: c.1710G>A (NM_004586.2).
Identifiers: ClinVar variation 2660140 (VCV002660140.28), dbSNP rs145529719, ClinGen allele CA10366078.

ClinVar aggregate classification (germline): Benign/Likely benign. Review status: criteria provided, multiple submitters, no conflicts (2 of 4 stars). 3 submissions from 3 submitters: Benign (1); Likely benign (1). 1 of the submissions does not count toward it. Last evaluated 2025-05-10.

Conditions:
Intellectual developmental disorder, X-linked 19. Also called: Intellectual disability, X-linked 19. Identifiers: Orphanet 777, MedGen C0796225, MONDO:0010447, OMIM 300844.
Coffin-Lowry syndrome (CLS). Also called: COFFIN-LOWRY SYNDROME, MILD; Mental retardation with osteocartilaginous abnormalities. Identifiers: Orphanet 192, MedGen C0265252, MONDO:0010561, OMIM 303600.
RPS6KA3-related disorder. Also called: RPS6KA3-related condition.

Allele frequency attached by ClinVar (database versions not stated): gnomAD exomes 0.00003; ExAC 0.00005; TOPMed 0.00012; gnomAD 0.00016; ESP Exome Variant Server 0.00019.
gnomAD v4.1: 54 of 1,206,508 alleles (0.0045%); highest among the groups gnomAD compares: African/African-American, 0.054%; 1 homozygote.

Submissions (3):

Labcorp Genetics (formerly Invitae), Labcorp
Classification: Benign for Coffin-Lowry syndrome; Intellectual developmental disorder, X-linked 19. Last evaluated: 2025-05-10. Review status: criteria provided, single submitter. Criteria: Invitae Variant Classification Sherloc (09022015). Collection method: clinical testing. Allele origin: germline.

CeGaT Center for Human Genetics Tuebingen
Classification: Likely benign. Last evaluated: 2023-03-01. Review status: criteria provided, single submitter. Criteria: CeGaT Center For Human Genetics Tuebingen Variant Classification Criteria Version 2. Collection method: clinical testing. Allele origin: germline. Affected: yes. Observed: 1 variant allele.
Comment: RPS6KA3: BP4, BP7, BS2

PreventionGenetics, part of Exact Sciences
Classification: Likely benign for RPS6KA3-related condition. Last evaluated: 2022-06-20. Review status: no assertion criteria provided. Collection method: clinical testing. Allele origin: germline. Not counted in ClinVar's aggregate classification.
Comment: This variant is classified as likely benign based on ACMG/AMP sequence variant interpretation guidelines (Richards et al. 2015 PMID: 25741868, with internal and published modifications).